The following is an entry in ClinVar:

NM_001386140.1(MTTP):c.909+1G>A

Gene: MTTP (microsomal triglyceride transfer protein; plus strand). Cytogenetic location: 4q23.
Variant type: single nucleotide variant.
Coding change: c.909+1G>A on transcript NM_001386140.1 (MANE Select); the canonical splice donor site of the intron after coding-DNA position 909, G replaced by A.
Molecular consequence: splice donor variant.
Genome position (GRCh38, 1-based): chr4:99,594,884, G>A. VCF-style: chr4-99594884-G-A. GRCh37 (hg19) VCF-style: chr4-100516041-G-A.
Other names: c.909+1G>A (NM_000253.4); c.660+1G>A (NM_001300785.2).
Identifiers: ClinVar variation 2770323 (VCV002770323.3), dbSNP rs1725516710, ClinGen allele CA357506292.

ClinVar aggregate classification (germline): Likely pathogenic (1 of 4 stars; one submission).

Allele frequency attached by ClinVar (database versions not stated): TOPMed below 0.00001.

Submission:

Labcorp Genetics (formerly Invitae), Labcorp
Classification: Likely pathogenic. Last evaluated: 2023-10-20. Review status: criteria provided, single submitter. Criteria: Invitae Variant Classification Sherloc (09022015). Collection method: clinical testing. Allele origin: germline.
Comment: This sequence change affects a donor splice site in intron 8 of the MTTP gene. It is expected to disrupt RNA splicing. Variants that disrupt the donor or acceptor splice site typically lead to a loss of protein function (PMID: 16199547), and loss-of-function variants in MTTP are known to be pathogenic (PMID: 8533758, 9671739). This variant is not present in population databases (gnomAD no frequency). This variant has not been reported in the literature in individuals affected with MTTP-related conditions. Algorithms developed to predict the effect of sequence changes on RNA splicing suggest that this variant may disrupt the consensus splice site. In summary, the currently available evidence indicates that the variant is pathogenic, but additional data are needed to prove that conclusively. Therefore, this variant has been classified as Likely Pathogenic.

Literature cited by the submitters: PubMed 16199547; PubMed 8533758; PubMed 9671739.